The following is an entry in ClinVar:

ClinVar aggregate classification (germline): Likely benign. Review status: criteria provided, multiple submitters, no conflicts (2 of 4 stars). 2 submissions from 2 submitters: Likely benign (2). Last evaluated 2025-08-18.

Allele frequency attached by ClinVar (database versions not stated): gnomAD exomes below 0.00001; gnomAD 0.00001; TOPMed 0.00001.

Submissions (2):

Labcorp Genetics (formerly Invitae), Labcorp
Classification: Likely benign. Last evaluated: 2025-08-18. Review status: criteria provided, single submitter. Criteria: Invitae Variant Classification Sherloc (09022015). Collection method: clinical testing. Allele origin: germline.

CeGaT Center for Human Genetics Tuebingen
Classification: Likely benign. Last evaluated: 2023-04-01. Review status: criteria provided, single submitter. Criteria: CeGaT Center For Human Genetics Tuebingen Variant Classification Criteria Version 2. Collection method: clinical testing. Allele origin: germline. Affected: yes. Observed: 1 variant allele.
Comment: CARMIL2: BP4, BP7

NM_001013838.3(CARMIL2):c.2946G>A (p.Pro982=)

Gene: CARMIL2 (capping protein regulator and myosin 1 linker 2; plus strand). Cytogenetic location: 16q22.1.
Variant type: single nucleotide variant.
Coding change: c.2946G>A on transcript NM_001013838.3 (MANE Select); coding-DNA position 2946, G replaced by A.
Protein change: p.Pro982=; no amino-acid change (proline 982 retained).
Molecular consequence: synonymous variant.
Genome position (GRCh38, 1-based): chr16:67,653,080, G>A. VCF-style: chr16-67653080-G-A. GRCh37 (hg19) VCF-style: chr16-67686983-G-A.
Other names: c.2838G>A, p.Pro946= (NM_001317026.3).
Identifiers: ClinVar variation 1927546 (VCV001927546.32), dbSNP rs913867728, ClinGen allele CA283210308.